The following is an entry in ClinVar:

ClinVar aggregate classification (germline): Uncertain significance (1 of 4 stars; one submission).

Conditions:
Neuroblastoma, susceptibility to, 3. Also called: ALK-Related Neuroblastic Tumor Susceptibility. Identifiers: Orphanet 635, MedGen C2751681, MONDO:0013083, OMIM 613014.

Submission:

Labcorp Genetics (formerly Invitae), Labcorp
Classification: Uncertain significance for Neuroblastoma, susceptibility to, 3. Last evaluated: 2021-12-13. Review status: criteria provided, single submitter. Criteria: Invitae Variant Classification Sherloc (09022015). Collection method: clinical testing. Allele origin: germline.
Comment: In summary, the available evidence is currently insufficient to determine the role of this variant in disease. Therefore, it has been classified as a Variant of Uncertain Significance. Algorithms developed to predict the effect of missense changes on protein structure and function are either unavailable or do not agree on the potential impact of this missense change (SIFT: "Deleterious"; PolyPhen-2: "Probably Damaging"; Align-GVGD: "Class C0"). This variant has not been reported in the literature in individuals affected with ALK-related conditions. This variant is not present in population databases (gnomAD no frequency). This sequence change replaces leucine, which is neutral and non-polar, with methionine, which is neutral and non-polar, at codon 965 of the ALK protein (p.Leu965Met).

NM_004304.5(ALK):c.2893C>A (p.Leu965Met)

Gene: ALK (ALK receptor tyrosine kinase; minus strand). Cytogenetic location: 2p23.2.
Variant type: single nucleotide variant.
Coding change: c.2893C>A on transcript NM_004304.5 (MANE Select); coding-DNA position 2893, C replaced by A.
Protein change: p.Leu965Met; replaces leucine 965 with methionine.
Molecular consequence: missense variant.
Genome position (GRCh38, 1-based): chr2:29,227,595, G>T on the plus strand (C>A on the coding strand, the complement: ALK is on the minus strand). VCF-style: chr2-29227595-G-T. GRCh37 (hg19) VCF-style: chr2-29450461-G-T.
Other names: short protein forms L965M.
Identifiers: ClinVar variation 2161719 (VCV002161719.4), dbSNP rs1458969615, ClinGen allele CA346468363.